The following is an entry in ClinVar:

ClinVar aggregate classification (germline): Uncertain significance (1 of 4 stars; one submission).

Conditions:
Brugada syndrome 8 (BRGDA8). Identifiers: Orphanet 130, MedGen C2751083, MONDO:0013148, OMIM 613123.

gnomAD v4.1: 1 of 1,522,712 alleles (0.000066%); highest among the groups gnomAD compares: Non-Finnish European, 0.000088%; no homozygotes.

Submission:

Labcorp Genetics (formerly Invitae), Labcorp
Classification: Uncertain significance for Brugada syndrome 8. Last evaluated: 2024-02-05. Review status: criteria provided, single submitter. Criteria: Invitae Variant Classification Sherloc (09022015). Collection method: clinical testing. Allele origin: germline.
Comment: This sequence change replaces arginine, which is basic and polar, with leucine, which is neutral and non-polar, at codon 949 of the HCN4 protein (p.Arg949Leu). This variant is not present in population databases (gnomAD no frequency). This variant has not been reported in the literature in individuals affected with HCN4-related conditions. Advanced modeling of protein sequence and biophysical properties (such as structural, functional, and spatial information, amino acid conservation, physicochemical variation, residue mobility, and thermodynamic stability) performed at Invitae indicates that this missense variant is not expected to disrupt HCN4 protein function with a negative predictive value of 95%. In summary, the available evidence is currently insufficient to determine the role of this variant in disease. Therefore, it has been classified as a Variant of Uncertain Significance.

NM_005477.3(HCN4):c.2846G>T (p.Arg949Leu)

Gene: HCN4 (hyperpolarization activated cyclic nucleotide gated potassium channel 4; minus strand). Cytogenetic location: 15q24.1.
Variant type: single nucleotide variant.
Coding change: c.2846G>T on transcript NM_005477.3 (MANE Select); coding-DNA position 2846, G replaced by T.
Protein change: p.Arg949Leu; replaces arginine 949 with leucine.
Molecular consequence: missense variant.
Genome position (GRCh38, 1-based): chr15:73,323,247, C>A on the plus strand (G>T on the coding strand, the complement: HCN4 is on the minus strand). VCF-style: chr15-73323247-C-A. GRCh37 (hg19) VCF-style: chr15-73615588-C-A.
Other names: short protein forms R949L.
Identifiers: ClinVar variation 3691985 (VCV003691985.2).